The following is an entry in ClinVar:

NM_177438.3(DICER1):c.2730C>A (p.Pro910=)

Gene: DICER1 (dicer 1, ribonuclease III; minus strand). Cytogenetic location: 14q32.13.
Variant type: single nucleotide variant.
Coding change: c.2730C>A on transcript NM_177438.3 (MANE Select); coding-DNA position 2730, C replaced by A.
Protein change: p.Pro910=; no amino-acid change (proline 910 retained).
Molecular consequence: synonymous variant. On other transcripts: non-coding transcript variant (6).
Genome position (GRCh38, 1-based): chr14:95,107,682, G>T on the plus strand (C>A on the coding strand, the complement: DICER1 is on the minus strand). VCF-style: chr14-95107682-G-T. GRCh37 (hg19) VCF-style: chr14-95574019-G-T.
Other names: c.2730C>A, p.Pro910= (NM_001195573.1, NM_001271282.3, NM_001291628.2 and 12 more transcripts); c.2448C>A, p.Pro816= (NM_001395686.1); c.2325C>A, p.Pro775= (NM_001395687.1, NM_001395688.1, NM_001395689.1 and 2 more transcripts); c.2163C>A, p.Pro721= (NM_001395691.1); c.1047C>A, p.Pro349= (NM_001395697.1).
Identifiers: ClinVar variation 4875853 (VCV004875853.1).

ClinVar aggregate classification (germline): Benign (1 of 4 stars; one submission).

Conditions:
DICER1-related tumor predisposition. Also called: DICER1-related pleuropulmonary blastoma cancer predisposition syndrome; DICER1 syndrome. Identifiers: Orphanet 284343, MedGen C3839822, MONDO:0100216.

Submission:

Myriad Genetics, Inc.
Classification: Benign for DICER1-related tumor predisposition. Last evaluated: 2026-04-16. Review status: criteria provided, single submitter. Criteria: Myriad Autosomal Dominant, Autosomal Recessive and X-Linked Classification Criteria (2023). Collection method: clinical testing. Allele origin: unknown.
Comment: This variant is considered benign. This variant is a silent/synonymous amino acid change and it is not expected to impact splicing.